The following is an entry in ClinVar:

ClinVar aggregate classification (germline): Benign (1 of 4 stars; one submission).

Allele frequency attached by ClinVar (database versions not stated): 1000 Genomes Project 30x 0.03045; 1000 Genomes Project 0.03235; TOPMed 0.05515; gnomAD 0.06450 and 0.06687; gnomAD exomes 0.07804.
gnomAD v4.1: 80,265 of 1,060,620 alleles (7.6%); highest among the groups gnomAD compares: Non-Finnish European, 9.4%; 3,814 homozygotes.

Submission:

GeneDx
Classification: Benign. Last evaluated: 2018-06-14. Review status: criteria provided, single submitter. Criteria: GeneDx Variant Classification (06012015). Collection method: clinical testing. Allele origin: germline. Affected: yes.
Comment: This variant is considered likely benign or benign based on one or more of the following criteria: it is a conservative change, it occurs at a poorly conserved position in the protein, it is predicted to be benign by multiple in silico algorithms, and/or has population frequency not consistent with disease.

NM_000168.6(GLI3):c.1356+64C>A

Gene: GLI3 (GLI family zinc finger 3; minus strand). Cytogenetic location: 7p14.1.
Variant type: single nucleotide variant.
Coding change: c.1356+64C>A on transcript NM_000168.6 (MANE Select); 64 bases into the intron after coding-DNA position 1356, C replaced by A.
Molecular consequence: intron variant.
Genome position (GRCh38, 1-based): chr7:42,025,200, G>T on the plus strand (C>A on the coding strand, the complement: GLI3 is on the minus strand). VCF-style: chr7-42025200-G-T. GRCh37 (hg19) VCF-style: chr7-42064799-G-T.
Identifiers: ClinVar variation 681777 (VCV000681777.1), dbSNP rs78554970, ClinGen allele CA156894076.